The following is an entry in ClinVar:

NM_024301.5(FKRP):c.586G>A (p.Gly196Arg)

Gene: FKRP (fukutin related protein; plus strand). Cytogenetic location: 19q13.32.
Variant type: single nucleotide variant.
Coding change: c.586G>A on transcript NM_024301.5 (MANE Select); coding-DNA position 586, G replaced by A.
Protein change: p.Gly196Arg; replaces glycine 196 with arginine.
Molecular consequence: missense variant.
Genome position (GRCh38, 1-based): chr19:46,756,036, G>A. VCF-style: chr19-46756036-G-A. GRCh37 (hg19) VCF-style: chr19-47259293-G-A.
Other names: c.586G>A, p.Gly196Arg (NM_001039885.3); short protein forms G196R.
Identifiers: ClinVar variation 197342 (VCV000197342.17), dbSNP rs759875552, ClinGen allele CA245426.

ClinVar aggregate classification (germline): Conflicting classifications of pathogenicity. Review status: criteria provided, conflicting classifications (1 of 4 stars). 7 submissions from 7 submitters: Pathogenic (1); Likely pathogenic (2); Uncertain significance (3). 1 of the submissions does not count toward it. Last evaluated 2026-01-28.

Conditions:
Walker-Warburg congenital muscular dystrophy. Also called: Muscular dystrophy-dystroglycanopathy, type A; Walker-Warburg syndrome. Identifiers: Orphanet 899, MedGen C0265221, MONDO:0000171.
Muscular dystrophy-dystroglycanopathy type B5 (MDDGB5). Also called: MUSCULAR DYSTROPHY, CONGENITAL, 1C; MUSCULAR DYSTROPHY, CONGENITAL, FKRP-RELATED; MUSCULAR DYSTROPHY-DYSTROGLYCANOPATHY (CONGENITAL WITH OR WITHOUT IMPAIRED INTELLECTUAL DEVELOPMENT), TYPE B, 5. Identifiers: MedGen C1847759, MONDO:0011688, OMIM 606612.
Autosomal recessive limb-girdle muscular dystrophy type 2I. Also called: MUSCULAR DYSTROPHY-DYSTROGLYCANOPATHY, LIMB-GIRDLE, FRKP-RELATED; MUSCULAR DYSTROPHY, LIMB-GIRDLE, TYPE 2I; MUSCULAR DYSTROPHY-DYSTROGLYCANOPATHY (LIMB-GIRDLE), TYPE C, 5. Identifiers: Orphanet 34515, MedGen C1846672, MONDO:0011787, OMIM 607155.
Muscular dystrophy-dystroglycanopathy (congenital with brain and eye anomalies), type A1 (MDDGA1). Also called: Muscular dystrophy-dystroglycanopathy (congenital with brain and eye anomalies), type A, 1; COD-MD SYNDROME; WALKER-WARBURG SYNDROME OR MUSCLE-EYE-BRAIN DISEASE, POMT1-RELATED; Hydrocephalus, agyria and retinal dysplasia; Hard +/- E syndrome; Warburg syndrome. Identifiers: Orphanet 588, Orphanet 899, MedGen C4284790, MONDO:0009364, OMIM 236670.
Muscular dystrophy-dystroglycanopathy (congenital with brain and eye anomalies), type A5. Also called: WALKER-WARBURG SYNDROME OR MUSCLE-EYE-BRAIN DISEASE, FKRP-RELATED; MUSCULAR DYSTROPHY-DYSTROGLYCANOPATHY (CONGENITAL WITH BRAIN AND EYE ANOMALIES), TYPE A, 5. Identifiers: Orphanet 588, Orphanet 899, MedGen C3150413, MONDO:0013157, OMIM 613153.
Cardiovascular phenotype. Identifiers: MedGen CN230736.
Autosomal recessive limb-girdle muscular dystrophy. Identifiers: Orphanet 102015, MedGen C2931907, MONDO:0015152.

Allele frequency attached by ClinVar (database versions not stated): TOPMed 0.00001.
gnomAD v4.1: 3 of 1,579,308 alleles (0.00019%); highest among the groups gnomAD compares: African/African-American, 0.0041%; no homozygotes.

Submissions (7):

Labcorp Genetics (formerly Invitae), Labcorp
Classification: Pathogenic for Walker-Warburg congenital muscular dystrophy. Last evaluated: 2026-01-28. Review status: criteria provided, single submitter. Criteria: Invitae Variant Classification Sherloc (09022015). Collection method: clinical testing. Allele origin: germline.
Comment: This sequence change replaces glycine, which is neutral and non-polar, with arginine, which is basic and polar, at codon 196 of the FKRP protein (p.Gly196Arg). This variant is not present in population databases (gnomAD no frequency). This missense change has been observed in individual(s) with clinical features of limb girdle muscular dystrophy (PMID: 18832576, 24257234, 32429923; external communication, internal data). ClinVar contains an entry for this variant (Variation ID: 197342). Invitae Evidence Modeling of protein sequence and biophysical properties (such as structural, functional, and spatial information, amino acid conservation, physicochemical variation, residue mobility, and thermodynamic stability) has been performed for this missense variant. However, the output from this modeling did not meet the statistical confidence thresholds required to predict the impact of this variant on FKRP protein function. This variant disrupts the p.Gly196 amino acid residue in FKRP. Other variant(s) that disrupt this residue have been determined to be pathogenic (internal data). This suggests that this residue is clinically significant, and that variants that disrupt this residue are likely to be disease-causing. For these reasons, this variant has been classified as Pathogenic.

Women's Health and Genetics/Laboratory Corporation of America, LabCorp
Classification: Likely pathogenic for Autosomal recessive limb-girdle muscular dystrophy. Last evaluated: 2025-07-25. Review status: criteria provided, single submitter. Criteria: LabCorp Variant Classification Summary - May 2015. Collection method: clinical testing. Allele origin: germline.
Comment: Variant summary: FKRP c.586G>A (p.Gly196Arg) results in a non-conservative amino acid change in the encoded protein sequence. Algorithms developed to predict the effect of missense changes on protein structure and function all suggest that this variant is likely to be disruptive. The variant was absent in 226056 control chromosomes. These data indicate that the variant may be associated with disease. To our knowledge, no experimental evidence demonstrating an impact on protein function has been reported. At least one variant at the p.Gly196 residue has been reported asLikely Pathogenic in ClinVar (p.Gly196Val), suggesting that this codon is functionally important. ClinVar contains an entry for this variant (Variation ID: 197342). Based on the evidence outlined above, the variant was classified as likely pathogenic.

Natera, Inc.
Classification: Likely pathogenic for Limb-girdle muscular dystrophy type 2I. Last evaluated: 2025-07-23. Review status: criteria provided, single submitter. Criteria: Natera Variant Classification Schema (03/2026). Collection method: clinical testing. Allele origin: germline.
Comment: The c.586G>A variant in FKRP is a missense variant predicted to cause substitution of glycine to arginine at amino acid 196. This variant is rare in the general population with a frequency below the threshold expected for the associated phenotype(s). This variant has been observed in one or more individuals affected with the associated recessive disease, as either homozygous or compound heterozygous with a second variant (PMID: 36399172). Another variant at this same site results in an alteration predicted to cause a similar molecular effect has been observed in individual(s) with the associated phenotype. Computational prediction algorithms indicate this variant is likely to affect gene or protein function. Given the available evidence, this variant is classified as Likely Pathogenic.

Ambry Genetics
Classification: Uncertain significance for Cardiovascular phenotype. Last evaluated: 2024-03-29. Review status: criteria provided, single submitter. Criteria: Ambry Variant Classification Scheme 2023. Collection method: clinical testing. Allele origin: germline.
Comment: The p.G196R variant (also known as c.586G>A), located in coding exon 1 of the FKRP gene, results from a G to A substitution at nucleotide position 586. The glycine at codon 196 is replaced by arginine, an amino acid with dissimilar properties. This variant has co-occurred with other variants in FKRP in individuals with features of limb girdle muscular dystrophy; however, details were limited (Kesari A et al. Am J Pathol, 2008 Nov;173:1476-87; Murphy LB et al. Ann Clin Transl Neurol, 2020 May;7:757-766; Leung DG et al. BMC Neurol, 2020 May;20:196). This amino acid position is highly conserved in available vertebrate species. In addition, this alteration is predicted to be deleterious by in silico analysis. Based on the available evidence, the clinical significance of this alteration remains unclear.

Fulgent Genetics
Classification: Uncertain significance for Muscular dystrophy-dystroglycanopathy (congenital with brain and eye anomalies), type A1; Muscular dystrophy-dystroglycanopathy type B5; Autosomal recessive limb-girdle muscular dystrophy type 2I; Muscular dystrophy-dystroglycanopathy (congenital with brain and eye anomalies), type A5. Last evaluated: 2021-09-01. Review status: criteria provided, single submitter. Criteria: ACMG Guidelines, 2015. Collection method: clinical testing. Allele origin: unknown.

Eurofins Ntd Llc (ga)
Classification: Uncertain significance. Last evaluated: 2014-11-14. Review status: criteria provided, single submitter. Criteria: EGL Classification Definitions 2015. Collection method: clinical testing. Allele origin: germline. Observed: 1 variant allele, 1 homozygote.

Counsyl
Classification: Uncertain significance for Autosomal recessive limb-girdle muscular dystrophy type 2I. Last evaluated: 2018-06-07. Review status: no assertion criteria provided. Collection method: clinical testing. Allele origin: unknown. Not counted in ClinVar's aggregate classification.

Literature cited by the submitters: PubMed 18832576 (cited by 4 submitters); PubMed 24257234 (cited by 3 submitters); PubMed 32429923 (cited by Labcorp Genetics (formerly Invitae), Labcorp and Ambry Genetics); PubMed 36399172 (cited by Natera, Inc.); PubMed 32342672 (cited by Ambry Genetics).